The following is an entry in ClinVar:

NC_012920.1(MT-CYB):m.15731G>A

Gene: MT-CYB (mitochondrially encoded cytochrome b; plus strand).
Variant type: single nucleotide variant.
Genome position: chrM-15731-G-A.
Identifiers: ClinVar variation 693938 (VCV000693938.1), dbSNP rs1556424652, ClinGen allele CA913174686.

ClinVar aggregate classification (germline): Benign (1 of 4 stars; one submission).

Conditions:
Leigh syndrome (NULS). Also called: Leigh's necrotizing encephalopathy; Leigh's disease; Leigh's syndrome; LEIGH SYNDROME, NUCLEAR; Leigh Syndrome (mtDNA deletion); Leigh Disease. Identifiers: Orphanet 506, MedGen C2931891, MONDO:0009723, OMIM 256000.

Submission:

Wong Mito Lab, Molecular and Human Genetics, Baylor College of Medicine
Classification: Benign for Leigh syndrome. Last evaluated: 2019-10-17. Review status: criteria provided, single submitter. Criteria: Modified ACMG Guidelines (Unpublished). Collection method: clinical testing. Allele origin: germline.
Comment: The NC_012920.1:m.15731G>A (YP_003024038.1:p.Ala329Thr) variant in MTCYB gene is interpretated to be a Benign variant based on the modified ACMG guidelines (unpublished). This variant meets the following evidence codes: BS1, BS2, BP4